The following is an entry in ClinVar:

NM_000363.5(TNNI3):c.362A>T (p.Asn121Ile)

Gene: TNNI3 (troponin I3, cardiac type; minus strand). Cytogenetic location: 19q13.42.
Variant type: single nucleotide variant.
Coding change: c.362A>T on transcript NM_000363.5 (MANE Select); coding-DNA position 362, A replaced by T.
Protein change: p.Asn121Ile; replaces asparagine 121 with isoleucine.
Molecular consequence: missense variant.
Genome position (GRCh38, 1-based): chr19:55,154,751, T>A on the plus strand (A>T on the coding strand, the complement: TNNI3 is on the minus strand). VCF-style: chr19-55154751-T-A. GRCh37 (hg19) VCF-style: chr19-55666119-T-A.
Other names: short protein forms N121I.
Identifiers: ClinVar variation 926163 (VCV000926163.4), dbSNP rs2085716252, ClinGen allele CA407440929.

ClinVar aggregate classification (germline): Uncertain significance (1 of 4 stars; one submission).

Conditions:
Cardiomyopathy (CMYO). Also called: Cardiomyopathies. Identifiers: Orphanet 167848, MedGen C0878544, MONDO:0004994, HP:0001638. Inheritance: Various modes of inheritance.

Allele frequency attached by ClinVar (database versions not stated): gnomAD exomes below 0.00001.
gnomAD v4.1: 1 of 1,614,182 alleles (0.000062%); highest among the groups gnomAD compares: Non-Finnish European, 0.000085%; no homozygotes.

Submission:

Color Diagnostics, LLC DBA Color Health
Classification: Uncertain significance for Cardiomyopathy. Last evaluated: 2024-03-06. Review status: criteria provided, single submitter. Criteria: ACMG Guidelines, 2015. Collection method: clinical testing. Allele origin: germline.
Comment: This missense variant replaces asparagine with isoleucine at codon 121 of the TNNI3 protein. Computational prediction is inconclusive regarding the impact of this variant on protein structure and function (internally defined REVEL score threshold 0.5 < inconclusive < 0.7, PMID: 27666373). Splice site prediction tools suggest that this variant may not impact RNA splicing. To our knowledge, functional studies have not been performed for this variant. This variant has not been reported in individuals affected with cardiovascular disorders in the literature. This variant has not been identified in the general population by the Genome Aggregation Database (gnomAD). The available evidence is insufficient to determine the role of this variant in disease conclusively. Therefore, this variant is classified as a Variant of Uncertain Significance.